The following is an entry in ClinVar:

NM_153717.3(EVC):c.54_60del (p.Asp19fs)

Gene: EVC (EvC ciliary complex subunit 1; plus strand). Cytogenetic location: 4p16.2.
Variant type: Deletion.
Coding change: c.54_60del on transcript NM_153717.3 (MANE Select); coding-DNA positions 54 to 60, 7 bases deleted (GGACGCG; older notation c.54_60delGGACGCG).
Protein change: p.Asp19fs; shifts the reading frame from aspartic acid 19.
Molecular consequence: frameshift variant.
Genome position (GRCh38, 1-based): chr4:5,711,434-5,711,440, GGACGCG deleted; deleting any 7 consecutive bases within chr4:5,711,431-5,711,440 gives the same sequence; the c. name uses the placement nearest the transcript's 3' end. VCF-style (leftmost placement, unchanged base first): chr4-5711430-GGCGGGAC-G. GRCh37 (hg19) VCF-style: chr4-5713157-GGCGGGAC-G.
Other names: c.54_60del, p.Asp19fs (NM_001306090.2, NM_001306092.2); short protein forms D19fs.
Identifiers: ClinVar variation 4816943 (VCV004816943.1).

ClinVar aggregate classification (germline): Likely pathogenic (1 of 4 stars; one submission).

Conditions:
Ellis-van Creveld syndrome (EVC). Also called: Chondroectodermal dysplasia; EVC-Related Ellis-van Creveld Syndrome; EVC2-Related Ellis-van Creveld Syndrome; MESOECTODERMAL DYSPLASIA. Identifiers: Orphanet 289, MedGen C0013903, MONDO:0009162, OMIM 225500.

Submission:

Natera, Inc.
Classification: Likely pathogenic for Ellis-van Creveld syndrome. Last evaluated: 2024-05-09. Review status: criteria provided, single submitter. Criteria: Natera Variant Classification Schema (03/2026). Collection method: clinical testing. Allele origin: germline.
Comment: The c.54_60del variant in EVC is a frameshift variant predicted to shift the reading frame beginning at codon 19 and leads to a stop codon 95 codons downstream. This variant is expected to result in nonsense mediated decay, truncation, or a dysfunctional protein product. This variant is rare in the general population with a frequency below the threshold expected for the associated phenotype(s). Given the available evidence, this variant is classified as Likely Pathogenic.